The following is an entry in ClinVar:

NM_001103.4(ACTN2):c.893G>A (p.Arg298His)

Gene: ACTN2 (actinin alpha 2; plus strand). Cytogenetic location: 1q43.
Variant type: single nucleotide variant.
Coding change: c.893G>A on transcript NM_001103.4 (MANE Select); coding-DNA position 893, G replaced by A.
Protein change: p.Arg298His; replaces arginine 298 with histidine.
Molecular consequence: missense variant.
Genome position (GRCh38, 1-based): chr1:236,739,318, G>A. VCF-style: chr1-236739318-G-A. GRCh37 (hg19) VCF-style: chr1-236902618-G-A.
Other names: p.R298H:CGT>CAT; c.893G>A, p.Arg298His (NM_001278343.2); c.269G>A, p.Arg90His (NM_001278344.2); short protein forms R298H, R90H.
Identifiers: ClinVar variation 43951 (VCV000043951.71), dbSNP rs142482143, ClinGen allele CA133224.

ClinVar aggregate classification (germline): Conflicting classifications of pathogenicity. Review status: criteria provided, conflicting classifications (1 of 4 stars). 15 submissions from 15 submitters: Uncertain significance (5); Benign (1); Likely benign (5). 4 of the submissions do not count toward it. Last evaluated 2026-02-02.

Conditions:
Dilated cardiomyopathy 1AA (CMD1AA). Also called: CARDIOMYOPATHY, DILATED, 1AA, WITH OR WITHOUT LEFT VENTRICULAR NONCOMPACTION; CARDIOMYOPATHY, FAMILIAL HYPERTROPHIC, 23, WITH OR WITHOUT LEFT VENTRICULAR NONCOMPACTION; Cardiomyopathy, dilated, 1AA, with or without LVNC. Identifiers: Orphanet 154, MedGen C2677338, MONDO:0012808, OMIM 612158.
Myopathy, congenital, with structured cores and z-line abnormalities. Also called: MULTIPLE STRUCTURED CORE DISEASE; CONGENITAL MYOPATHY 8. Identifiers: MedGen C5231445, MONDO:0032852, OMIM 618654.
Myopathy, distal, 6, adult-onset, autosomal dominant. Identifiers: MedGen C5203349, MONDO:0032853, OMIM 618655.
ACTN2-related disorder. Also called: ACTN2-related disorders; ACTN2 related condition.
Cardiovascular phenotype. Identifiers: MedGen CN230736.
Cardiomyopathy (CMYO). Also called: Cardiomyopathies. Identifiers: Orphanet 167848, MedGen C0878544, MONDO:0004994, HP:0001638. Inheritance: Various modes of inheritance.
Primary familial hypertrophic cardiomyopathy (HCM). Identifiers: Orphanet 99739, MedGen C0949658, MeSH D024741, MONDO:0024573. Inheritance: Various modes of inheritance.

Allele frequency attached by ClinVar (database versions not stated): 1000 Genomes Project 0.00020; 1000 Genomes Project 30x 0.00031; gnomAD 0.00040 and 0.00042; TOPMed 0.00040; gnomAD exomes 0.00045; ExAC 0.00055; ESP Exome Variant Server 0.00062.
gnomAD v4.1: 714 of 1,613,850 alleles (0.044%); highest among the groups gnomAD compares: Non-Finnish European, 0.055%; 3 homozygotes.

Submissions (15):

Labcorp Genetics (formerly Invitae), Labcorp
Classification: Likely benign for Primary familial hypertrophic cardiomyopathy; Dilated cardiomyopathy 1AA. Last evaluated: 2026-02-02. Review status: criteria provided, single submitter. Criteria: Invitae Variant Classification Sherloc (09022015). Collection method: clinical testing. Allele origin: germline.

Molecular Diagnostic Laboratory for Inherited Cardiovascular Disease, Montreal Heart Institute
Classification: Uncertain significance for Cardiovascular phenotype. Last evaluated: 2025-04-09. Review status: criteria provided, single submitter. Criteria: ACMG Guidelines, 2015. Collection method: clinical testing. Allele origin: germline. Affected: yes.

Blueprint Genetics
Classification: Likely benign. Last evaluated: 2024-11-21. Review status: criteria provided, single submitter. Criteria: ACMG Guidelines, 2015. Collection method: clinical testing. Allele origin: germline.

CeGaT Center for Human Genetics Tuebingen
Classification: Benign. Last evaluated: 2024-02-01. Review status: criteria provided, single submitter. Criteria: CeGaT Center For Human Genetics Tuebingen Variant Classification Criteria Version 2. Collection method: clinical testing. Allele origin: germline. Affected: yes. Observed: 2 variant alleles.
Comment: ACTN2: BS1, BS2

CHEO Genetics Diagnostic Laboratory, Children's Hospital of Eastern Ontario
Classification: Likely benign for Cardiomyopathy. Last evaluated: 2020-04-21. Review status: criteria provided, single submitter. Criteria: ACMG Guidelines, 2015. Collection method: clinical testing. Allele origin: germline. Study: Canadian Open Genetics Repository.

Ambry Genetics
Classification: Likely benign for Cardiovascular phenotype. Last evaluated: 2020-02-25. Review status: criteria provided, single submitter. Criteria: Ambry Variant Classification Scheme 2023. Collection method: clinical testing. Allele origin: germline.

GeneDx
Classification: Likely benign. Last evaluated: 2019-08-02. Review status: criteria provided, single submitter. Criteria: GeneDx Variant Classification Process June 2021. Collection method: clinical testing. Allele origin: germline. Affected: yes.
Comment: R298H variant in the ACTN2 gene has not been reported as a disease-causing mutation nor as a benign polymorphism, to our knowledge. Although R298H results in a conservative amino acid substitution of one positively charged residue for another, the Arg298 position is conserved across species. In silico analysis predicts R298H is damaging to the protein structure/function. However, no mutations have been reported in association with cardiomyopathy in nearby residues. Furthermore, the NHLBI ESP Exome Variant Server reports R298H was observed in approximately 8/8,600 alleles (0.092%) from individuals of European background, indicating it is not a common benign variant in these populations. We interpret R298H as a variant of unknown significance.

Illumina Laboratory Services, Illumina
Classification: Uncertain significance for Dilated cardiomyopathy 1AA. Last evaluated: 2018-01-12. Review status: criteria provided, single submitter. Criteria: ICSL Variant Classification Criteria 13 December 2019. Collection method: clinical testing. Allele origin: germline.

Stanford Center for Inherited Cardiovascular Disease, Stanford University
Classification: Uncertain significance. Last evaluated: 2017-04-13. Review status: criteria provided, single submitter. Criteria: ACMG Guidelines, 2015. Collection method: provider interpretation. Allele origin: germline.

Laboratory for Molecular Medicine, Mass General Brigham Personalized Medicine
Classification: Uncertain significance. Last evaluated: 2017-01-30. Review status: criteria provided, single submitter. Criteria: LMM Criteria. Collection method: clinical testing. Allele origin: germline. Observed: 5 variant alleles.
Comment: Variant classified as Uncertain Significance - Favor Benign. The p.Arg298His var iant in ACTN2 has been identified by our laboratory in 1 individual with LVNC, 1 with DCM, and 1 with HCM. However, at least one of these individuals carried an additional variant sufficient to explain disease. This variant has also been re ported in ClinVar (Variation ID: 43951). This variant has been identified in 0.1 % (61/66736) of European chromosomes, including 1 homozygote, by the Exome Aggre gation Consortium (ExAC; dbSNP rs142482143). Com putational prediction tools and conservation analysis suggest that the p.Arg298H is variant may impact the protein, though this information is not predictive eno ugh to determine pathogenicity. In summary, while the clinical significance of t he p.Arg298His variant is uncertain, its frequency suggests that it is more like ly to be benign.

Center for Genomics, Ann and Robert H. Lurie Children's Hospital of Chicago
Classification: Uncertain significance for Myopathy, distal, 6, adult-onset, autosomal dominant; Dilated cardiomyopathy 1AA; Myopathy, congenital, with structured cores and z-line abnormalities. Review status: criteria provided, single submitter. Criteria: ACMG Guidelines, 2015. Collection method: clinical testing. Allele origin: germline.
Comment: ACTN2 NM_001103.3 exon 10 p.Arg298His (c.893G>A): This variant has been reported in the literature in one individual with DCM, one with HCM, and three with features of LVNC (Pugh 2014 PMID:24503780, Miszalski-Jamka 2017 PMID:28798025, Mademont-Soler 2017 PMID:28771489). However, at least two of these individuals also carried additional variants of uncertain clinical significance in other cardiomyopathy genes (Pugh 2014 PMID:24503780, Miszalski-Jamka 2017 PMID:28798025). This variant is present in 0.08% (110/126584) of European alleles in the Genome Aggregation Database, including one homozygote. This variant is present in ClinVar (Variation ID:43951). Evolutionary conservation and computational predictive tools suggest that this variant may impact the protein. In summary, data on this variant is insufficient for disease classification. Therefore, the clinical significance of this variant is uncertain.

PreventionGenetics, part of Exact Sciences
Classification: Likely benign for ACTN2-related condition. Last evaluated: 2023-12-11. Review status: no assertion criteria provided. Collection method: clinical testing. Allele origin: germline. Not counted in ClinVar's aggregate classification.
Comment: This variant is classified as likely benign based on ACMG/AMP sequence variant interpretation guidelines (Richards et al. 2015 PMID: 25741868, with internal and published modifications).

Clinical Genetics, Academic Medical Center
Classification: Likely benign. Review status: no assertion criteria provided. Collection method: clinical testing. Allele origin: germline. Affected: yes. Study: VKGL Data-share Consensus. Not counted in ClinVar's aggregate classification.

Genome Diagnostics Laboratory, University Medical Center Utrecht
Classification: Likely benign. Review status: no assertion criteria provided. Collection method: clinical testing. Allele origin: germline. Affected: yes. Study: VKGL Data-share Consensus. Not counted in ClinVar's aggregate classification.

Joint Genome Diagnostic Labs from Nijmegen and Maastricht, Radboudumc and MUMC+
Classification: Likely benign. Review status: no assertion criteria provided. Collection method: clinical testing. Allele origin: germline. Affected: yes. Study: VKGL Data-share Consensus. Not counted in ClinVar's aggregate classification.

Literature cited by the submitters: PubMed 24503780 (cited by Ambry Genetics); PubMed 25626705 (cited by Ambry Genetics and Laboratory for Molecular Medicine, Mass General Brigham Personalized Medicine); PubMed 28798025 (cited by Ambry Genetics).